The following is an entry in ClinVar:

ClinVar aggregate classification (germline): Uncertain significance (1 of 4 stars; one submission).

Submission:

GeneDx
Classification: Uncertain significance. Last evaluated: 2023-11-30. Review status: criteria provided, single submitter. Criteria: GeneDx Variant Classification Process June 2021. Collection method: clinical testing. Allele origin: germline. Affected: yes.
Comment: Not observed at significant frequency in large population cohorts (gnomAD); In silico analysis supports that this missense variant has a deleterious effect on protein structure/function; Has not been previously published as pathogenic or benign to our knowledge

NM_006514.4(SCN10A):c.3660G>T (p.Trp1220Cys)

Gene: SCN10A (sodium voltage-gated channel alpha subunit 10; minus strand). Cytogenetic location: 3p22.2.
Variant type: single nucleotide variant.
Coding change: c.3660G>T on transcript NM_006514.4 (MANE Select); coding-DNA position 3660, G replaced by T.
Protein change: p.Trp1220Cys; replaces tryptophan 1220 with cysteine.
Molecular consequence: missense variant.
Genome position (GRCh38, 1-based): chr3:38,718,674, C>A on the plus strand (G>T on the coding strand, the complement: SCN10A is on the minus strand). VCF-style: chr3-38718674-C-A. GRCh37 (hg19) VCF-style: chr3-38760165-C-A.
Other names: c.3657G>T, p.Trp1219Cys (NM_001293306.2); c.3366G>T, p.Trp1122Cys (NM_001293307.2); short protein forms W1122C, W1219C, W1220C.
Identifiers: ClinVar variation 3365084 (VCV003365084.1).